The following is an entry in ClinVar:

NM_002997.5(SDC1):c.534C>T (p.Pro178=)

Gene: SDC1 (syndecan 1; minus strand). Cytogenetic location: 2p24.1.
Variant type: single nucleotide variant.
Coding change: c.534C>T on transcript NM_002997.5 (MANE Select); coding-DNA position 534, C replaced by T.
Protein change: p.Pro178=; no amino-acid change (proline 178 retained).
Molecular consequence: synonymous variant.
Genome position (GRCh38, 1-based): chr2:20,203,906, G>A on the plus strand (C>T on the coding strand, the complement: SDC1 is on the minus strand). VCF-style: chr2-20203906-G-A. GRCh37 (hg19) VCF-style: chr2-20403667-G-A.
Other names: c.534C>T, p.Pro178= (NM_001006946.2).
Identifiers: ClinVar variation 4823035 (VCV004823035.4).
Genomic context (GRCh38, chr2:20,203,906, plus strand): 5'-ACTGGAGGCTCCATCCTCAGCAGCCCTCTCGGTGGCAGAAGGACCTCCATCCTCTGTGTG[G>A]GGAGTGTGAAGGTCAGCTTGGCTGGGTCCTGCAGGGGTTGAGGTCTCATGGTGGCCAGGC-3'
Protein context (NP_002988.4, residues 168-188): AGPSQADLHT[Pro178=]HTEDGGPSAT

ClinVar aggregate classification (germline): Likely benign (1 of 4 stars; one submission).

Submission:

CeGaT Center for Human Genetics Tuebingen
Classification: Likely benign. Last evaluated: 2026-01-01. Review status: criteria provided, single submitter. Criteria: CeGaT Center For Human Genetics Tuebingen Variant Classification Criteria Version 2. Collection method: clinical testing. Allele origin: germline. Affected: yes. Observed: 1 variant allele.
Comment: SDC1: PM2:Supporting, BP4, BP7